The following is an entry in ClinVar:

ClinVar aggregate classification (germline): Uncertain significance. Review status: criteria provided, multiple submitters, no conflicts (2 of 4 stars). 3 submissions from 3 submitters: Uncertain significance (3). Last evaluated 2026-01-06.

Conditions:
Inborn genetic diseases. Identifiers: MedGen C0950123, MeSH D030342.
Left ventricular noncompaction 8 (LVNC8). Identifiers: Orphanet 154, Orphanet 54260, MedGen C3809288, MONDO:0014152, OMIM 615373.

Allele frequency attached by ClinVar (database versions not stated): ExAC 0.00001; gnomAD 0.00001; gnomAD exomes 0.00002 and 0.00004; TOPMed 0.00002.
gnomAD v4.1: 27 of 1,614,142 alleles (0.0017%); highest among the groups gnomAD compares: Middle Eastern, 0.033%; no homozygotes.

Submissions (3):

Labcorp Genetics (formerly Invitae), Labcorp
Classification: Uncertain significance for Left ventricular noncompaction 8. Last evaluated: 2026-01-06. Review status: criteria provided, single submitter. Criteria: Invitae Variant Classification Sherloc (09022015). Collection method: clinical testing. Allele origin: germline.
Comment: This sequence change replaces threonine, which is neutral and polar, with methionine, which is neutral and non-polar, at codon 452 of the PRDM16 protein (p.Thr452Met). This variant is present in population databases (rs781154573, gnomAD 0.02%). This variant has not been reported in the literature in individuals affected with PRDM16-related conditions. ClinVar contains an entry for this variant (Variation ID: 1404847). An algorithm developed to predict the effect of missense changes on protein structure and function (PolyPhen-2) suggests that this variant is likely to be tolerated. In summary, the available evidence is currently insufficient to determine the role of this variant in disease. Therefore, it has been classified as a Variant of Uncertain Significance.

Clinical Genetics Laboratory, Skane University Hospital Lund
Classification: Uncertain significance. Last evaluated: 2023-03-22. Review status: criteria provided, single submitter. Criteria: ACMG Guidelines, 2015. Collection method: clinical testing. Allele origin: germline. Affected: yes.

Ambry Genetics
Classification: Uncertain significance for Inborn genetic diseases. Last evaluated: 2022-11-22. Review status: criteria provided, single submitter. Criteria: Ambry Variant Classification Scheme 2023. Collection method: clinical testing. Allele origin: germline.

NM_022114.4(PRDM16):c.1355C>T (p.Thr452Met)

Gene: PRDM16 (PR/SET domain 16; plus strand). Cytogenetic location: 1p36.32.
Variant type: single nucleotide variant.
Coding change: c.1355C>T on transcript NM_022114.4 (MANE Select); coding-DNA position 1355, C replaced by T.
Protein change: p.Thr452Met; replaces threonine 452 with methionine.
Molecular consequence: missense variant.
Genome position (GRCh38, 1-based): chr1:3,411,552, C>T. VCF-style: chr1-3411552-C-T. GRCh37 (hg19) VCF-style: chr1-3328116-C-T.
Other names: c.1355C>T, p.Thr452Met (NM_199454.3); c.1355C>T (NM_022114.3); short protein forms T452M.
Identifiers: ClinVar variation 1404847 (VCV001404847.10), dbSNP rs781154573, ClinGen allele CA544164.